The following is an entry in ClinVar:

NM_001378454.1(ALMS1):c.7802C>A (p.Pro2601His)

Gene: ALMS1 (ALMS1 centrosome and basal body associated protein; plus strand). Cytogenetic location: 2p13.1.
Variant type: single nucleotide variant.
Coding change: c.7802C>A on transcript NM_001378454.1 (MANE Select); coding-DNA position 7802, C replaced by A.
Protein change: p.Pro2601His; replaces proline 2601 with histidine.
Molecular consequence: missense variant.
Genome position (GRCh38, 1-based): chr2:73,489,761, C>A. VCF-style: chr2-73489761-C-A. GRCh37 (hg19) VCF-style: chr2-73716888-C-A.
Other names: c.7805C>A, p.Pro2602His (NM_015120.4); short protein forms P2601H, P2602H.
Identifiers: ClinVar variation 1487301 (VCV001487301.4), dbSNP rs2103889598, ClinGen allele CA347264100.

ClinVar aggregate classification (germline): Uncertain significance. Review status: criteria provided, multiple submitters, no conflicts (2 of 4 stars). 2 submissions from 2 submitters: Uncertain significance (2). Last evaluated 2025-07-18.

Conditions:
Alstrom syndrome (ALMS). Identifiers: Orphanet 64, MedGen C0268425, MONDO:0008763, OMIM 203800.

gnomAD v4.1: 2 of 1,614,162 alleles (0.00012%); no homozygotes.

Submissions (2):

GeneDx
Classification: Uncertain significance. Last evaluated: 2025-07-18. Review status: criteria provided, single submitter. Criteria: GeneDx Variant Classification Process June 2021. Collection method: clinical testing. Allele origin: germline. Affected: yes.
Comment: Not observed at significant frequency in large population cohorts (gnomAD); In silico analysis suggests that this missense variant does not alter protein structure/function; Has not been previously published as pathogenic or benign to our knowledge

Labcorp Genetics (formerly Invitae), Labcorp
Classification: Uncertain significance for Alstrom syndrome. Last evaluated: 2022-06-28. Review status: criteria provided, single submitter. Criteria: Invitae Variant Classification Sherloc (09022015). Collection method: clinical testing. Allele origin: germline.
Comment: This sequence change replaces proline, which is neutral and non-polar, with histidine, which is basic and polar, at codon 2602 of the ALMS1 protein (p.Pro2602His). This variant is not present in population databases (gnomAD no frequency). This variant has not been reported in the literature in individuals affected with ALMS1-related conditions. Experimental studies and prediction algorithms are not available or were not evaluated, and the functional significance of this variant is currently unknown. In summary, the available evidence is currently insufficient to determine the role of this variant in disease. Therefore, it has been classified as a Variant of Uncertain Significance.